The following is an entry in ClinVar:

NM_170601.5(SIAE):c.3G>T (p.Met1Ile)

Gene: SIAE (sialic acid acetylesterase; minus strand). Cytogenetic location: 11q24.2.
Variant type: single nucleotide variant.
Coding change: c.3G>T on transcript NM_170601.5 (MANE Select); coding-DNA position 3, G replaced by T.
Protein change: p.Met1Ile; changes the start codon (methionine 1).
Molecular consequence: missense variant, initiator codon variant. On other transcripts: intron variant (1).
Genome position (GRCh38, 1-based): chr11:124,673,706, C>A on the plus strand (G>T on the coding strand, the complement: SIAE is on the minus strand). VCF-style: chr11-124673706-C-A. GRCh37 (hg19) VCF-style: chr11-124543602-C-A.
Other names: c.-39+1552G>T (NM_001199922.2); short protein forms M1I.
Identifiers: ClinVar variation 1436904 (VCV001436904.8), dbSNP rs533755690, ClinGen allele CA383123441.

ClinVar aggregate classification (germline): Uncertain significance (1 of 4 stars; one submission).

Submission:

Labcorp Genetics (formerly Invitae), Labcorp
Classification: Uncertain significance. Last evaluated: 2021-06-16. Review status: criteria provided, single submitter. Criteria: Invitae Variant Classification Sherloc (09022015). Collection method: clinical testing. Allele origin: germline.
Comment: In summary, the available evidence is currently insufficient to determine the role of this variant in disease. Therefore, it has been classified as a Variant of Uncertain Significance. Experimental studies and prediction algorithms are not available or were not evaluated, and the functional significance of this variant is currently unknown. This variant has not been reported in the literature in individuals with SIAE-related conditions. This variant is not present in population databases (ExAC no frequency). This sequence change affects the initiator methionine of the SIAE mRNA. The next in-frame methionine is located at codon 36.